The following is an entry in ClinVar:

NM_001283009.2(RTEL1):c.85C>G (p.Leu29Val)

Genes: RTEL1 (regulator of telomere elongation helicase 1; plus strand), RTEL1-TNFRSF6B (RTEL1-TNFRSF6B readthrough (NMD candidate); plus strand). Cytogenetic location: 20q13.33.
Variant type: single nucleotide variant.
Coding change: c.85C>G on transcript NM_001283009.2 (MANE Select); coding-DNA position 85, C replaced by G.
Protein change: p.Leu29Val; replaces leucine 29 with valine.
Molecular consequence: missense variant. On other transcripts: non-coding transcript variant (1), intron variant (1).
Genome position (GRCh38, 1-based): chr20:63,659,487, C>G. VCF-style: chr20-63659487-C-G. GRCh37 (hg19) VCF-style: chr20-62290840-C-G.
Other names: c.85C>G, p.Leu29Val (NM_016434.4, NM_032957.5); c.-568+1028C>G (NM_001283010.1); short protein forms L29V.
Identifiers: ClinVar variation 3948457 (VCV003948457.1).

ClinVar aggregate classification (germline): Uncertain significance (1 of 4 stars; one submission).

Conditions:
Inborn genetic diseases. Identifiers: MedGen C0950123, MeSH D030342.

Submission:

Ambry Genetics
Classification: Uncertain significance for Inborn genetic diseases. Last evaluated: 2025-06-06. Review status: criteria provided, single submitter. Criteria: Ambry Variant Classification Scheme 2023. Collection method: clinical testing. Allele origin: germline.
Comment: The p.L29V variant (also known as c.85C>G), located in coding exon 1 of the RTEL1 gene, results from a C to G substitution at nucleotide position 85. The leucine at codon 29 is replaced by valine, an amino acid with highly similar properties. This amino acid position is conserved. In addition, this alteration is predicted to be tolerated by in silico analysis. Based on the available evidence, the clinical significance of this variant remains unclear.